The following is an entry in ClinVar:

ClinVar aggregate classification (germline): Uncertain significance (1 of 4 stars; one submission).

Conditions:
TBC1D4-related disorder. Also called: TBC1D4-related condition.

Submission:

PreventionGenetics, part of Exact Sciences
Classification: Uncertain significance for TBC1D4-related condition. Last evaluated: 2023-02-14. Review status: criteria provided, single submitter. Criteria: ACMG Guidelines, 2015. Collection method: clinical testing. Allele origin: germline.
Comment: The TBC1D4 c.2T>A variant is predicted to disrupt the translation initiation site (Start loss). To our knowledge, this variant has not been reported in the literature or in a large population database, indicating this variant is rare. At this time, the clinical significance of this variant is uncertain due to the absence of conclusive functional and genetic evidence.

NM_014832.5(TBC1D4):c.2T>A (p.Met1Lys)

Gene: TBC1D4 (TBC1 domain family member 4; minus strand). Cytogenetic location: 13q22.2.
Variant type: single nucleotide variant.
Coding change: c.2T>A on transcript NM_014832.5 (MANE Select); coding-DNA position 2, T replaced by A.
Protein change: p.Met1Lys; changes the start codon (methionine 1).
Molecular consequence: missense variant, initiator codon variant.
Genome position (GRCh38, 1-based): chr13:75,481,766, A>T on the plus strand (T>A on the coding strand, the complement: TBC1D4 is on the minus strand). VCF-style: chr13-75481766-A-T. GRCh37 (hg19) VCF-style: chr13-76055902-A-T.
Other names: c.2T>A, p.Met1Lys (NM_001286658.2, NM_001286659.2); short protein forms M1K.
Identifiers: ClinVar variation 2630444 (VCV002630444.1), dbSNP rs769998822, ClinGen allele CA388266239.